The following is an entry in ClinVar:

NM_053042.3(ZNF518B):c.2517C>T (p.Ile839=)

Gene: ZNF518B (zinc finger protein 518B; minus strand). Cytogenetic location: 4p16.1.
Variant type: single nucleotide variant.
Coding change: c.2517C>T on transcript NM_053042.3 (MANE Select); coding-DNA position 2517, C replaced by T.
Protein change: p.Ile839=; no amino-acid change (isoleucine 839 retained).
Molecular consequence: synonymous variant.
Genome position (GRCh38, 1-based): chr4:10,443,812, G>A on the plus strand (C>T on the coding strand, the complement: ZNF518B is on the minus strand). VCF-style: chr4-10443812-G-A. GRCh37 (hg19) VCF-style: chr4-10445436-G-A.
Other names: c.2517C>T, p.Ile839= (NM_001375816.1, NM_001375817.1).
Identifiers: ClinVar variation 2654670 (VCV002654670.25), dbSNP rs138229174, ClinGen allele CA2858484.

ClinVar aggregate classification (germline): Likely benign. Review status: criteria provided, multiple submitters, no conflicts (2 of 4 stars). 2 submissions from 2 submitters: Likely benign (2). Last evaluated 2022-03-01.

Allele frequency attached by ClinVar (database versions not stated): gnomAD 0.00033; TOPMed 0.00039; ESP Exome Variant Server 0.00046.
gnomAD v4.1: 759 of 1,614,166 alleles (0.047%); highest among the groups gnomAD compares: Non-Finnish European, 0.049%; no homozygotes.

Submissions (2):

CeGaT Center for Human Genetics Tuebingen
Classification: Likely benign. Last evaluated: 2022-03-01. Review status: criteria provided, single submitter. Criteria: CeGaT Center For Human Genetics Tuebingen Variant Classification Criteria Version 2. Collection method: clinical testing. Allele origin: germline. Affected: yes. Observed: 1 variant allele.
Comment: ZNF518B: BP4, BP7

Breakthrough Genomics
Classification: Likely benign. Review status: criteria provided, single submitter. Criteria: ACMG Guidelines, 2015. Collection method: not provided. Allele origin: germline. Inheritance: Unknown mechanism. Affected: yes.